The following is an entry in ClinVar:

NM_001080517.3(SETD5):c.3884C>T (p.Ser1295Phe)

Gene: SETD5 (SET domain containing 5; plus strand). Cytogenetic location: 3p25.3.
Variant type: single nucleotide variant.
Coding change: c.3884C>T on transcript NM_001080517.3 (MANE Select); coding-DNA position 3884, C replaced by T.
Protein change: p.Ser1295Phe; replaces serine 1295 with phenylalanine.
Molecular consequence: missense variant.
Genome position (GRCh38, 1-based): chr3:9,475,646, C>T. VCF-style: chr3-9475646-C-T. GRCh37 (hg19) VCF-style: chr3-9517330-C-T.
Other names: c.3590C>T, p.Ser1197Phe (NM_001292043.2, NM_001349451.2); short protein forms S1197F, S1295F.
Identifiers: ClinVar variation 1309553 (VCV001309553.2), dbSNP rs2125630324, ClinGen allele CA351692007.

ClinVar aggregate classification (germline): Uncertain significance (1 of 4 stars; one submission).

Submission:

GeneDx
Classification: Uncertain significance. Last evaluated: 2019-10-24. Review status: criteria provided, single submitter. Criteria: GeneDx Variant Classification Process June 2021. Collection method: clinical testing. Allele origin: germline. Affected: yes.
Comment: Not observed in large population cohorts (Lek et al., 2016); In silico analysis, which includes protein predictors and evolutionary conservation, supports that this variant does not alter protein structure/function; Has not been previously published as pathogenic or benign to our knowledge